The following is an entry in ClinVar:

ClinVar aggregate classification (germline): Pathogenic (1 of 4 stars; one submission).

gnomAD v4.1: 2 of 1,614,234 alleles (0.00012%); highest among the groups gnomAD compares: Non-Finnish European, 0.00017%; no homozygotes.

Submission:

Labcorp Genetics (formerly Invitae), Labcorp
Classification: Pathogenic. Last evaluated: 2024-02-26. Review status: criteria provided, single submitter. Criteria: Invitae Variant Classification Sherloc (09022015). Collection method: clinical testing. Allele origin: germline.
Comment: This sequence change creates a premature translational stop signal (p.Gln1061*) in the SZT2 gene. It is expected to result in an absent or disrupted protein product. Loss-of-function variants in SZT2 are known to be pathogenic (PMID: 23932106, 27248490, 28556953). This variant is not present in population databases (gnomAD no frequency). This variant has not been reported in the literature in individuals affected with SZT2-related conditions. Algorithms developed to predict the effect of sequence changes on RNA splicing suggest that this variant may disrupt the consensus splice site. For these reasons, this variant has been classified as Pathogenic.

Literature cited by the submitters: PubMed 23932106; PubMed 27248490; PubMed 28556953.

NM_001365999.1(SZT2):c.3352C>T (p.Gln1118Ter)

Gene: SZT2 (SZT2 subunit of KICSTOR complex; plus strand). Cytogenetic location: 1p34.2.
Variant type: single nucleotide variant.
Coding change: c.3352C>T on transcript NM_001365999.1 (MANE Select); coding-DNA position 3352, C replaced by T.
Protein change: p.Gln1118Ter; replaces glutamine 1118 with a stop codon.
Molecular consequence: nonsense.
Genome position (GRCh38, 1-based): chr1:43,427,098, C>T. VCF-style: chr1-43427098-C-T. GRCh37 (hg19) VCF-style: chr1-43892769-C-T.
Other names: c.3181C>T, p.Gln1061Ter (NM_015284.4); short protein forms Q1061*, Q1118*.
Identifiers: ClinVar variation 2757481 (VCV002757481.3), dbSNP rs764431397, ClinGen allele CA340017247.